The following is an entry in ClinVar:

ClinVar aggregate classification (germline): Uncertain significance (1 of 4 stars; one submission).

Allele frequency attached by ClinVar (database versions not stated): gnomAD exomes below 0.00001; TOPMed 0.00002; ESP Exome Variant Server 0.00008.
gnomAD v4.1: 1 of 1,613,908 alleles (0.000062%); highest among the groups gnomAD compares: Non-Finnish European, 0.000085%; no homozygotes.

Submission:

Labcorp Genetics (formerly Invitae), Labcorp
Classification: Uncertain significance. Last evaluated: 2021-09-17. Review status: criteria provided, single submitter. Criteria: Invitae Variant Classification Sherloc (09022015). Collection method: clinical testing. Allele origin: germline.
Comment: This sequence change replaces aspartic acid with alanine at codon 1419 of the CDH23 protein (p.Asp1419Ala). The aspartic acid residue is highly conserved and there is a moderate physicochemical difference between aspartic acid and alanine. This variant is not present in population databases (ExAC no frequency). This variant has not been reported in the literature in individuals affected with CDH23-related conditions. Algorithms developed to predict the effect of missense changes on protein structure and function are either unavailable or do not agree on the potential impact of this missense change (SIFT: "Deleterious"; PolyPhen-2: "Not Available"; Align-GVGD: "Class C65"). In summary, the available evidence is currently insufficient to determine the role of this variant in disease. Therefore, it has been classified as a Variant of Uncertain Significance.

NM_022124.6(CDH23):c.4256A>C (p.Asp1419Ala)

Gene: CDH23 (cadherin related 23; plus strand). Cytogenetic location: 10q22.1.
Variant type: single nucleotide variant.
Coding change: c.4256A>C on transcript NM_022124.6 (MANE Select); coding-DNA position 4256, A replaced by C.
Protein change: p.Asp1419Ala; replaces aspartic acid 1419 with alanine.
Molecular consequence: missense variant.
Genome position (GRCh38, 1-based): chr10:71,738,544, A>C. VCF-style: chr10-71738544-A-C. GRCh37 (hg19) VCF-style: chr10-73498301-A-C.
Other names: short protein forms D1419A.
Identifiers: ClinVar variation 1352333 (VCV001352333.5), dbSNP rs371698747, ClinGen allele CA209484463.